The following is an entry in ClinVar:

NM_004064.5(CDKN1B):c.512A>C (p.Glu171Ala)

Gene: CDKN1B (cyclin dependent kinase inhibitor 1B; plus strand). Cytogenetic location: 12p13.1.
Variant type: single nucleotide variant.
Coding change: c.512A>C on transcript NM_004064.5 (MANE Select); coding-DNA position 512, A replaced by C.
Protein change: p.Glu171Ala; replaces glutamic acid 171 with alanine.
Molecular consequence: missense variant.
Genome position (GRCh38, 1-based): chr12:12,718,861, A>C. VCF-style: chr12-12718861-A-C. GRCh37 (hg19) VCF-style: chr12-12871795-A-C.
Other names: short protein forms E171A.
Identifiers: ClinVar variation 4728598 (VCV004728598.1).
Genomic context (GRCh38, chr12:12,718,861, plus strand): 5'-TTTAAAAATTTCCCCTGCGCTTAGATTCTTCTACTCAAAACAAAAGAGCCAACAGAACAG[A>C]AGAAAATGTTTCAGACGGTTCCCCAAATGCCGGTTCTGTGGAGCAGACGCCCAAGAAGCC-3'
Protein context (NP_004055.1, residues 161-181): STQNKRANRT[Glu171Ala]ENVSDGSPNA

ClinVar aggregate classification (germline): Uncertain significance (1 of 4 stars; one submission).

Conditions:
Multiple endocrine neoplasia type 4. Also called: MULTIPLE ENDOCRINE NEOPLASIA, TYPE IV. Identifiers: Orphanet 276152, MedGen C1970712, MONDO:0012552, OMIM 610755.

Submission:

Labcorp Genetics (formerly Invitae), Labcorp
Classification: Uncertain significance for Multiple endocrine neoplasia type 4. Last evaluated: 2025-10-07. Review status: criteria provided, single submitter. Criteria: Invitae Variant Classification Sherloc (09022015). Collection method: clinical testing. Allele origin: germline.
Comment: This sequence change replaces glutamic acid, which is acidic and polar, with alanine, which is neutral and non-polar, at codon 171 of the CDKN1B protein (p.Glu171Ala). This variant is not present in population databases (gnomAD no frequency). This variant has not been reported in the literature in individuals affected with CDKN1B-related conditions. An algorithm developed to predict the effect of missense changes on protein structure and function (PolyPhen-2) suggests that this variant is likely to be tolerated. In summary, the available evidence is currently insufficient to determine the role of this variant in disease. Therefore, it has been classified as a Variant of Uncertain Significance.